The following is an entry in ClinVar:

ClinVar aggregate classification (germline): Uncertain significance. Review status: criteria provided, multiple submitters, no conflicts (2 of 4 stars). 2 submissions from 2 submitters: Uncertain significance (2). Last evaluated 2026-02-15.

Allele frequency attached by ClinVar (database versions not stated): 1000 Genomes Project 30x 0.00062; ExAC 0.00019; 1000 Genomes Project 0.00180.
gnomAD v4.1: 84 of 1,603,556 alleles (0.0052%); highest among the groups gnomAD compares: East Asian, 0.12%; no homozygotes.

Submissions (2):

GeneDx
Classification: Uncertain significance. Last evaluated: 2026-02-15. Review status: criteria provided, single submitter. Criteria: GeneDx Variant Classification Process June 2021. Collection method: clinical testing. Allele origin: germline.
Comment: In silico analysis suggests that this missense variant does not alter protein structure/function; Has not been previously published as pathogenic or benign to our knowledge

Labcorp Genetics (formerly Invitae), Labcorp
Classification: Uncertain significance. Last evaluated: 2024-10-23. Review status: criteria provided, single submitter. Criteria: Invitae Variant Classification Sherloc (09022015). Collection method: clinical testing. Allele origin: germline.
Comment: This sequence change replaces arginine, which is basic and polar, with glycine, which is neutral and non-polar, at codon 19 of the NDUFS6 protein (p.Arg19Gly). This variant is present in population databases (rs567528957, gnomAD 0.2%). This variant has not been reported in the literature in individuals affected with NDUFS6-related conditions. ClinVar contains an entry for this variant (Variation ID: 2070875). An algorithm developed to predict the effect of missense changes on protein structure and function (PolyPhen-2) suggests that this variant¬†is likely to be tolerated. In summary, the available evidence is currently insufficient to determine the role of this variant in disease. Therefore, it has been classified as a Variant of Uncertain Significance.

NM_004553.6(NDUFS6):c.55C>G (p.Arg19Gly)

Gene: NDUFS6 (NADH:ubiquinone oxidoreductase subunit S6; plus strand). Cytogenetic location: 5p15.33.
Variant type: single nucleotide variant.
Coding change: c.55C>G on transcript NM_004553.6 (MANE Select); coding-DNA position 55, C replaced by G.
Protein change: p.Arg19Gly; replaces arginine 19 with glycine.
Molecular consequence: missense variant.
Genome position (GRCh38, 1-based): chr5:1,801,472, C>G. VCF-style: chr5-1801472-C-G. GRCh37 (hg19) VCF-style: chr5-1801586-C-G.
Other names: c.55C>G (NM_004553.3); short protein forms R19G.
Identifiers: ClinVar variation 2070875 (VCV002070875.3), dbSNP rs567528957, ClinGen allele CA3187537.